The following is an entry in ClinVar:

NM_152564.5(VPS13B):c.3880A>G (p.Ile1294Val)

Gene: VPS13B (vacuolar protein sorting 13 homolog B; plus strand). Cytogenetic location: 8q22.2.
Variant type: single nucleotide variant.
Coding change: c.3880A>G on transcript NM_152564.5 (MANE Select); coding-DNA position 3880, A replaced by G.
Protein change: p.Ile1294Val; replaces isoleucine 1294 with valine.
Molecular consequence: missense variant.
Genome position (GRCh38, 1-based): chr8:99,501,696, A>G. VCF-style: chr8-99501696-A-G. GRCh37 (hg19) VCF-style: chr8-100513924-A-G.
Other names: c.3880A>G, p.Ile1294Val (NM_017890.5); short protein forms I1294V.
Identifiers: ClinVar variation 2183396 (VCV002183396.1), dbSNP rs760928396, ClinGen allele CA4823370.

ClinVar aggregate classification (germline): Uncertain significance (1 of 4 stars; one submission).

Conditions:
Cohen syndrome (COH1). Also called: PEPPER SYNDROME; Cutis verticis gyrata, retinitis pigmentosa, and sensorineural deafness. Identifiers: Orphanet 193, MedGen C0265223, MONDO:0008999, OMIM 216550.

Allele frequency attached by ClinVar (database versions not stated): TOPMed below 0.00001; gnomAD exomes 0.00001; ExAC 0.00002.
gnomAD v4.1: 10 of 1,614,068 alleles (0.00062%); highest among the groups gnomAD compares: Non-Finnish European, 0.00085%; no homozygotes.

Submission:

Labcorp Genetics (formerly Invitae), Labcorp
Classification: Uncertain significance for Cohen syndrome. Last evaluated: 2022-01-06. Review status: criteria provided, single submitter. Criteria: Invitae Variant Classification Sherloc (09022015). Collection method: clinical testing. Allele origin: germline.
Comment: This sequence change replaces isoleucine, which is neutral and non-polar, with valine, which is neutral and non-polar, at codon 1294 of the VPS13B protein (p.Ile1294Val). This variant is present in population databases (rs760928396, gnomAD 0.003%). This variant has not been reported in the literature in individuals affected with VPS13B-related conditions. Algorithms developed to predict the effect of missense changes on protein structure and function output the following: SIFT: "Not Available"; PolyPhen-2: "Benign"; Align-GVGD: "Not Available". The valine amino acid residue is found in multiple mammalian species, which suggests that this missense change does not adversely affect protein function. In summary, the available evidence is currently insufficient to determine the role of this variant in disease. Therefore, it has been classified as a Variant of Uncertain Significance.